The following is an entry in ClinVar:

ClinVar aggregate classification (germline): Uncertain significance. Review status: criteria provided, multiple submitters, no conflicts (2 of 4 stars). 13 submissions from 13 submitters: Uncertain significance (9). 4 of the submissions do not count toward it. Last evaluated 2026-01-01.

Conditions:
Breast and/or ovarian cancer. Identifiers: MedGen CN221562.
Hereditary cancer-predisposing syndrome. Also called: Tumor predisposition; Hereditary neoplastic syndrome; Neoplastic Syndromes, Hereditary; Hereditary Cancer Syndrome. Identifiers: Orphanet 140162, MedGen C0027672, MeSH D009386, MONDO:0015356.
Familial cancer of breast. Also called: Hereditary breast cancer; hereditary breast carcinoma; BREAST CANCER, FAMILIAL. Identifiers: Orphanet 227535, MedGen C0346153, MONDO:0016419, OMIM 114480. Disease mechanism: loss of function.
Ataxia-telangiectasia syndrome (AT). Also called: LOUIS-BAR SYNDROME; Ataxia-telangiectasia; Ataxia telangiectasia (A-T); Cerebello-oculocutaneous telangiectasia; Immunodeficiency with ataxia telangiectasia; Ataxia-telangiectasia, complementation group D. Identifiers: Orphanet 100, MedGen C0004135, MONDO:0008840, OMIM 208900.

Allele frequency attached by ClinVar (database versions not stated): TOPMed below 0.00001; gnomAD 0.00001; gnomAD exomes 0.00001 and 0.00002.
gnomAD v4.1: 28 of 1,612,696 alleles (0.0017%); highest among the groups gnomAD compares: Non-Finnish European, 0.0022%; no homozygotes.

Submissions (13):

Labcorp Genetics (formerly Invitae), Labcorp
Classification: Uncertain significance for Ataxia-telangiectasia syndrome. Last evaluated: 2026-01-01. Review status: criteria provided, single submitter. Criteria: Invitae Variant Classification Sherloc (09022015). Collection method: clinical testing. Allele origin: germline.
Comment: This sequence change replaces histidine, which is basic and polar, with aspartic acid, which is acidic and polar, at codon 1474 of the ATM protein (p.His1474Asp). This variant is present in population databases (rs587779840, gnomAD 0.002%). This missense change has been observed in individual(s) with breast and prostate cancer (PMID: 26976419, 33436325). ClinVar contains an entry for this variant (Variation ID: 127391). Invitae Evidence Modeling of protein sequence and biophysical properties (such as structural, functional, and spatial information, amino acid conservation, physicochemical variation, residue mobility, and thermodynamic stability) has been performed for this missense variant. However, the output from this modeling did not meet the statistical confidence thresholds required to predict the impact of this variant on ATM protein function. In summary, the available evidence is currently insufficient to determine the role of this variant in disease. Therefore, it has been classified as a Variant of Uncertain Significance.

Ambry Genetics
Classification: Uncertain significance for Hereditary cancer-predisposing syndrome. Last evaluated: 2025-05-13. Review status: criteria provided, single submitter. Criteria: Ambry Variant Classification Scheme 2023. Collection method: clinical testing. Allele origin: germline.
Comment: The p.H1474D variant (also known as c.4420C>G), located in coding exon 28 of the ATM gene, results from a C to G substitution at nucleotide position 4420. The histidine at codon 1474 is replaced by aspartic acid, an amino acid with similar properties. This alteration has been reported as a variant of unknown significance in a cohort of 488 patients with stages I to III breast cancer who were tested with a 25-gene panel test as well as 1/302 individuals with pancreatic cancer (Tung N et al. J Clin Oncol, 2016 May;34:1460-8; Chaffee KG et al. Genet Med, 2018 01;20:119-127). In another study, this alteration was reported in 3/60,466 breast cancer cases and in 2/53,461 controls (Dorling et al. N Engl J Med, 2021 02;384:428-439). This variant was also reported in 1/5560 prostate cancer cases and in 0/3353 controls of European ancestry (Karlsson Q et al. Eur Urol Oncol, 2021 Aug;4:570-579). This amino acid position is highly conserved in available vertebrate species. In addition, this alteration is predicted to be deleterious by in silico analysis. Since supporting evidence is limited at this time, the clinical significance of this alteration remains unclear.

Baylor Genetics
Classification: Uncertain significance for Familial cancer of breast. Last evaluated: 2024-02-07. Review status: criteria provided, single submitter. Criteria: ACMG Guidelines, 2015. Collection method: clinical testing. Allele origin: unknown.

Color Diagnostics, LLC DBA Color Health
Classification: Uncertain significance for Hereditary cancer-predisposing syndrome. Last evaluated: 2024-01-04. Review status: criteria provided, single submitter. Criteria: ACMG Guidelines, 2015. Collection method: clinical testing. Allele origin: germline.
Comment: This missense variant replaces histidine with aspartic acid at codon 1474 of the ATM protein. Computational prediction is inconclusive regarding the impact of this variant on protein structure and function. To our knowledge, functional studies have not been reported for this variant. This variant has been reported in an individual affected with breast cancer (PMID: 26976419) and in an individual affected with chronic lymphocytic leukemia (PMID: 27479817). In an international breast cancer case-control meta-analysis, this variant was detected in 3/60466 cases and 2/53461 unaffected controls (PMID: 33471991). This variant has been identified in 2/250390 chromosomes in the general population by the Genome Aggregation Database (gnomAD). The available evidence is insufficient to determine the role of this variant in disease conclusively. Therefore, this variant is classified as a Variant of Uncertain Significance.

GeneDx
Classification: Uncertain significance. Last evaluated: 2023-09-20. Review status: criteria provided, single submitter. Criteria: GeneDx Variant Classification Process June 2021. Collection method: clinical testing. Allele origin: germline. Affected: yes.
Comment: Not observed at significant frequency in large population cohorts (gnomAD); In silico analysis supports that this missense variant has a deleterious effect on protein structure/function; Observed in individuals with breast, pancreatic, or prostate cancer (PMID: 33436325, 26976419, 28726808); This variant is associated with the following publications: (PMID: 25480502, 33436325, 26976419, 28726808, 33471991, 27479817, 33875564)

CHEO Genetics Diagnostic Laboratory, Children's Hospital of Eastern Ontario
Classification: Uncertain significance for Breast and/or ovarian cancer. Last evaluated: 2022-08-26. Review status: criteria provided, single submitter. Criteria: ACMG Guidelines, 2015. Collection method: clinical testing. Allele origin: germline.

Athena Diagnostics
Classification: Uncertain significance. Last evaluated: 2022-05-06. Review status: criteria provided, single submitter. Criteria: Athena Diagnostics Criteria. Collection method: clinical testing. Allele origin: unknown.

CeGaT Center for Human Genetics Tuebingen
Classification: Uncertain significance. Last evaluated: 2022-04-01. Review status: criteria provided, single submitter. Criteria: CeGaT Center For Human Genetics Tuebingen Variant Classification Criteria Version 2. Collection method: clinical testing. Allele origin: germline. Affected: yes. Observed: 1 variant allele.
Comment: ATM: PM2

Sema4
Classification: Uncertain significance for Hereditary cancer-predisposing syndrome. Last evaluated: 2022-02-24. Review status: criteria provided, single submitter. Criteria: Sema4 Curation Guidelines. Collection method: curation. Allele origin: germline.
Comment: The ATM c.4420C>G (p.H1474D) has been reported as heterozygous in at least 8 individuals with breast cancer, prostate cancer, pancreatic ductal adenocarcinoma, and chronic lymphocytic leukemia (PMID: 33471991, 33436325, 26976419, 25480502, 28726808, 33875564, 27479817). It has also been reported in healthy control samples (PMID: 33471991). This variant was observed in 2/113244 chromosomes in the Non-Finnish European population according to the Genome Aggregation Database (PMID: 32461654), and has been reported in ClinVar (Variation ID: 127391). Functional studies have not been performed, and in silico predictions of the variant's effect on protein function are inconclusive. The evidence is insufficient to meet ACMG/AMP criteria for classifying the variant as benign or pathogenic. Thus, the clinical significance of this variant is currently uncertain.

Natera, Inc.
Classification: Uncertain significance for Ataxia-telangiectasia. Last evaluated: 2020-08-27. Review status: no assertion criteria provided. Collection method: clinical testing. Allele origin: germline. Not counted in ClinVar's aggregate classification.

Diagnostic Laboratory, Department of Genetics, University Medical Center Groningen
Classification: Uncertain significance. Review status: no assertion criteria provided. Collection method: clinical testing. Allele origin: germline. Affected: yes. Study: VKGL Data-share Consensus. Not counted in ClinVar's aggregate classification.

Genome Diagnostics Laboratory, University Medical Center Utrecht
Classification: Uncertain significance. Review status: no assertion criteria provided. Collection method: clinical testing. Allele origin: germline. Affected: yes. Study: VKGL Data-share Consensus. Not counted in ClinVar's aggregate classification.

Joint Genome Diagnostic Labs from Nijmegen and Maastricht, Radboudumc and MUMC+
Classification: Uncertain significance. Review status: no assertion criteria provided. Collection method: clinical testing. Allele origin: germline. Affected: yes. Study: VKGL Data-share Consensus. Not counted in ClinVar's aggregate classification.

Literature cited by the submitters: PubMed 26976419 (cited by 5 submitters); PubMed 33436325 (cited by 4 submitters); PubMed 28726808 (cited by Ambry Genetics and Sema4); PubMed 33471991 (cited by 3 submitters); PubMed 27479817 (cited by Color Diagnostics, LLC DBA Color Health and Sema4); PubMed 25480502 (cited by Athena Diagnostics and Sema4); PubMed 33875564 (cited by Sema4).

NM_000051.4(ATM):c.4420C>G (p.His1474Asp)

Gene: ATM (ATM serine/threonine kinase; plus strand). Cytogenetic location: 11q22.3.
Variant type: single nucleotide variant.
Coding change: c.4420C>G on transcript NM_000051.4 (MANE Select); coding-DNA position 4420, C replaced by G.
Protein change: p.His1474Asp; replaces histidine 1474 with aspartic acid.
Molecular consequence: missense variant.
Genome position (GRCh38, 1-based): chr11:108,289,785, C>G. VCF-style: chr11-108289785-C-G. GRCh37 (hg19) VCF-style: chr11-108160512-C-G.
Other names: p.H1474D:CAC>GAC; c.4420C>G, p.His1474Asp (NM_001351834.2); short protein forms H1474D.
Identifiers: ClinVar variation 127391 (VCV000127391.62), dbSNP rs587779840, ClinGen allele CA286852.